The following is an entry in ClinVar:

ClinVar aggregate classification (germline): Uncertain significance (1 of 4 stars; one submission).

Conditions:
Renal cell carcinoma. Identifiers: Orphanet 217071, MedGen C0007134, MeSH D002292, MONDO:0005086, HP:0005584.

gnomAD v4.1: 1 of 1,613,924 alleles (0.000062%); highest among the groups gnomAD compares: East Asian, 0.0022%; no homozygotes.

Submission:

Labcorp Genetics (formerly Invitae), Labcorp
Classification: Uncertain significance for Renal cell carcinoma. Last evaluated: 2024-09-09. Review status: criteria provided, single submitter. Criteria: Invitae Variant Classification Sherloc (09022015). Collection method: clinical testing. Allele origin: germline.
Comment: This sequence change replaces serine, which is neutral and polar, with threonine, which is neutral and polar, at codon 308 of the MET protein (p.Ser308Thr). This variant is not present in population databases (gnomAD no frequency). This variant has not been reported in the literature in individuals affected with MET-related conditions. Invitae Evidence Modeling of protein sequence and biophysical properties (such as structural, functional, and spatial information, amino acid conservation, physicochemical variation, residue mobility, and thermodynamic stability) indicates that this missense variant is not expected to disrupt MET protein function with a negative predictive value of 80%. In summary, the available evidence is currently insufficient to determine the role of this variant in disease. Therefore, it has been classified as a Variant of Uncertain Significance.

NM_000245.4(MET):c.922T>A (p.Ser308Thr)

Gene: MET (MET proto-oncogene, receptor tyrosine kinase; plus strand). Cytogenetic location: 7q31.2.
Variant type: single nucleotide variant.
Coding change: c.922T>A on transcript NM_000245.4 (MANE Select); coding-DNA position 922, T replaced by A.
Protein change: p.Ser308Thr; replaces serine 308 with threonine.
Molecular consequence: missense variant. On other transcripts: intron variant (1).
Genome position (GRCh38, 1-based): chr7:116,700,006, T>A. VCF-style: chr7-116700006-T-A. GRCh37 (hg19) VCF-style: chr7-116340060-T-A.
Other names: c.922T>A, p.Ser308Thr (NM_001127500.3, NM_001324401.3); c.-91+27429T>A (NM_001324402.2); short protein forms S308T.
Identifiers: ClinVar variation 3667152 (VCV003667152.2).